The following is an entry in ClinVar:

NM_005235.3(ERBB4):c.29G>A (p.Trp10Ter)

Gene: ERBB4 (erb-b2 receptor tyrosine kinase 4; minus strand). Cytogenetic location: 2q34.
Variant type: single nucleotide variant.
Coding change: c.29G>A on transcript NM_005235.3 (MANE Select); coding-DNA position 29, G replaced by A.
Protein change: p.Trp10Ter; replaces tryptophan 10 with a stop codon.
Molecular consequence: nonsense.
Genome position (GRCh38, 1-based): chr2:212,538,502, C>T on the plus strand (G>A on the coding strand, the complement: ERBB4 is on the minus strand). VCF-style: chr2-212538502-C-T. GRCh37 (hg19) VCF-style: chr2-213403226-C-T.
Other names: c.29G>A, p.Trp10Ter (NM_001042599.2, NM_001439005.1, NM_001439006.1); short protein forms W10*.
Identifiers: ClinVar variation 4618670 (VCV004618670.1).

ClinVar aggregate classification (germline): Likely pathogenic (1 of 4 stars; one submission).

Conditions:
Inborn genetic diseases. Identifiers: MedGen C0950123, MeSH D030342.

Submission:

Ambry Genetics
Classification: Likely pathogenic for Inborn genetic diseases. Last evaluated: 2025-10-21. Review status: criteria provided, single submitter. Criteria: Ambry Variant Classification Scheme 2023. Collection method: clinical testing. Allele origin: germline.
Comment: The c.29G>A (p.W10*) alteration, located in exon 1 (coding exon 1) of the ERBB4 gene, consists of a G to A substitution at nucleotide position 29. This changes the amino acid from a tryptophan (W) to a stop codon at amino acid position 10. The predicted stop codon occurs in the 5' end of the ERBB4 gene. Premature termination codons in the 5&rsquo; end of a gene have been reported to escape nonsense-mediated mRNA decay and/or lead to re-initiation (Rivas, 2015; Lindeboom, 2016; Rhee, 2017). Direct evidence for this alteration is unavailable; however, premature termination codons are typically deleterious in nature. This variant was not reported in population-based cohorts in the Genome Aggregation Database (gnomAD). Based on the available evidence, this alteration is classified as likely pathogenic.

Literature cited by the submitters: PubMed 25954003; PubMed 27618451; PubMed 28490743.